The following is an entry in ClinVar:

NM_005908.4(MANBA):c.673+6C>A

Gene: MANBA (mannosidase beta; minus strand). Cytogenetic location: 4q24.
Variant type: single nucleotide variant.
Coding change: c.673+6C>A on transcript NM_005908.4 (MANE Select); 6 bases into the intron after coding-DNA position 673, C replaced by A.
Molecular consequence: intron variant.
Genome position (GRCh38, 1-based): chr4:102,714,432, G>T on the plus strand (C>A on the coding strand, the complement: MANBA is on the minus strand). VCF-style: chr4-102714432-G-T. GRCh37 (hg19) VCF-style: chr4-103635589-G-T.
Identifiers: ClinVar variation 1905305 (VCV001905305.2), dbSNP rs201848589, ClinGen allele CA102722975.

ClinVar aggregate classification (germline): Uncertain significance (1 of 4 stars; one submission).

Conditions:
Beta-D-mannosidosis (MANSB). Also called: MANNOSIDOSIS, BETA A, LYSOSOMAL; BETA-MANNOSIDASE DEFICIENCY; LYSOSOMAL BETA-MANNOSIDASE DEFICIENCY; Beta-Mannosidosis. Identifiers: Orphanet 118, MedGen C4048196, MONDO:0009562, OMIM 248510.

Allele frequency attached by ClinVar (database versions not stated): gnomAD 0.00001; gnomAD exomes 0.00002.
gnomAD v4.1: 33 of 1,603,284 alleles (0.0021%); highest among the groups gnomAD compares: Non-Finnish European, 0.0026%; no homozygotes.

Submission:

Labcorp Genetics (formerly Invitae), Labcorp
Classification: Uncertain significance for Beta-D-mannosidosis. Last evaluated: 2022-04-01. Review status: criteria provided, single submitter. Criteria: Invitae Variant Classification Sherloc (09022015). Collection method: clinical testing. Allele origin: germline.
Comment: This sequence change falls in intron 5 of the MANBA gene. It does not directly change the encoded amino acid sequence of the MANBA protein. It affects a nucleotide within the consensus splice site. This variant is present in population databases (rs201848589, gnomAD 0.007%). This variant has not been reported in the literature in individuals affected with MANBA-related conditions. Variants that disrupt the consensus splice site are a relatively common cause of aberrant splicing (PMID: 17576681, 9536098). Algorithms developed to predict the effect of sequence changes on RNA splicing suggest that this variant is not likely to affect RNA splicing. In summary, the available evidence is currently insufficient to determine the role of this variant in disease. Therefore, it has been classified as a Variant of Uncertain Significance.

Literature cited by the submitters: PubMed 17576681; PubMed 9536098.